The following is an entry in ClinVar:

NM_001393578.1(MRGPRX1):c.606T>C (p.Ile202=)

Gene: MRGPRX1 (MAS related GPR family member X1; minus strand). Cytogenetic location: 11p15.1.
Variant type: single nucleotide variant.
Coding change: c.606T>C on transcript NM_001393578.1 (MANE Select); coding-DNA position 606, T replaced by C.
Protein change: p.Ile202=; no amino-acid change (isoleucine 202 retained).
Molecular consequence: synonymous variant.
Genome position (GRCh38, 1-based): chr11:18,934,179, A>G on the plus strand (T>C on the coding strand, the complement: MRGPRX1 is on the minus strand). VCF-style: chr11-18934179-A-G. GRCh37 (hg19) VCF-style: chr11-18955726-A-G.
Other names: c.606T>C, p.Ile202= (NM_147199.4).
Identifiers: ClinVar variation 2641671 (VCV002641671.24), dbSNP rs188512916, ClinGen allele CA5915467.

ClinVar aggregate classification (germline): Likely benign (1 of 4 stars; one submission).

Allele frequency attached by ClinVar (database versions not stated): ESP Exome Variant Server 0.00023; ExAC 0.00091; gnomAD exomes 0.00168; 1000 Genomes Project 30x 0.00187; gnomAD 0.00214.

Submission:

CeGaT Center for Human Genetics Tuebingen
Classification: Likely benign. Last evaluated: 2026-04-01. Review status: criteria provided, single submitter. Criteria: CeGaT Center For Human Genetics Tuebingen Variant Classification Criteria Version 2. Collection method: clinical testing. Allele origin: germline. Affected: yes. Observed: 3 variant alleles.
Comment: MRGPRX1: BP4, BP7, BS2